The following is an entry in ClinVar:

ClinVar aggregate classification (germline): Uncertain significance (1 of 4 stars; one submission).

Submission:

CeGaT Center for Human Genetics Tuebingen
Classification: Uncertain significance. Last evaluated: 2022-08-01. Review status: criteria provided, single submitter. Criteria: CeGaT Center For Human Genetics Tuebingen Variant Classification Criteria Version 2. Collection method: clinical testing. Allele origin: germline. Affected: yes. Observed: 1 variant allele.
Comment: WFS1: PM2, PP3, BP5

NM_006005.3(WFS1):c.1971G>C (p.Met657Ile)

Gene: WFS1 (wolframin ER transmembrane glycoprotein; plus strand). Cytogenetic location: 4p16.1.
Variant type: single nucleotide variant.
Coding change: c.1971G>C on transcript NM_006005.3 (MANE Select); coding-DNA position 1971, G replaced by C.
Protein change: p.Met657Ile; replaces methionine 657 with isoleucine.
Molecular consequence: missense variant.
Genome position (GRCh38, 1-based): chr4:6,301,766, G>C. VCF-style: chr4-6301766-G-C. GRCh37 (hg19) VCF-style: chr4-6303493-G-C.
Other names: c.1971G>C, p.Met657Ile (NM_001145853.1); short protein forms M657I.
Identifiers: ClinVar variation 1711585 (VCV001711585.30), dbSNP rs778434865, ClinGen allele CA356177199.
Genomic context (GRCh38, chr4:6,301,766, plus strand): 5'-GGTGTGGCTCACGGCCATCGTGCTGTTCTGCTGGTTCTATGTGTACCGCTCAGAGGGCAT[G>C]AAGGTCTACAACTCCACACTGACCTGGCAGCAGTATGGTGCGCTGTGCGGGCCACGCGCC-3'
Protein context (NP_005996.2, residues 647-667): CWFYVYRSEG[Met657Ile]KVYNSTLTWQ